The following is an entry in ClinVar:

NM_000535.7(PMS2):c.675A>C (p.Glu225Asp)

Gene: PMS2 (PMS1 homolog 2, mismatch repair system component; minus strand). Cytogenetic location: 7p22.1.
Variant type: single nucleotide variant.
Coding change: c.675A>C on transcript NM_000535.7 (MANE Select); coding-DNA position 675, A replaced by C.
Protein change: p.Glu225Asp; replaces glutamic acid 225 with aspartic acid.
Molecular consequence: missense variant. On other transcripts: 5 prime UTR variant (2), non-coding transcript variant (1), intron variant (1).
Genome position (GRCh38, 1-based): chr7:5,999,138, T>G on the plus strand (A>C on the coding strand, the complement: PMS2 is on the minus strand). VCF-style: chr7-5999138-T-G. GRCh37 (hg19) VCF-style: chr7-6038769-T-G.
Other names: c.270A>C, p.Glu90Asp (NM_001322003.2, NM_001322004.2, NM_001322005.2 and 2 more transcripts); c.675A>C (NM_000535.6); c.675A>C, p.Glu225Asp (NM_001322006.2, NM_001322014.2); c.357A>C, p.Glu119Asp (NM_001322007.2, NM_001322008.2); c.-259A>C (NM_001322011.2, NM_001322012.2); c.366A>C, p.Glu122Asp (NM_001322015.2); c.133-1715A>C (NM_001322013.2); short protein forms E225D, E90D, E119D, E122D.
Identifiers: ClinVar variation 234813 (VCV000234813.25), dbSNP rs876661233, ClinGen allele CA10577348.

ClinVar aggregate classification (germline): Conflicting classifications of pathogenicity. Review status: criteria provided, conflicting classifications (1 of 4 stars). 10 submissions from 10 submitters: Uncertain significance (9); Likely benign (1). Last evaluated 2025-09-17.

Conditions:
Hereditary nonpolyposis colorectal neoplasms. Identifiers: MedGen C0009405, MeSH D003123.
Hereditary cancer-predisposing syndrome. Also called: Hereditary neoplastic syndrome; Hereditary Cancer Syndrome; Neoplastic Syndromes, Hereditary; Tumor predisposition. Identifiers: Orphanet 140162, MedGen C0027672, MeSH D009386, MONDO:0015356.
Mismatch repair cancer syndrome 1 (MMRCS1). Also called: BRAIN TUMOR-POLYPOSIS SYNDROME 1; BTP1 SYNDROME; CHILDHOOD CANCER SYNDROME; MISMATCH REPAIR DEFICIENCY; MMR DEFICIENCY. Identifiers: Orphanet 252202, MedGen C5399763, MONDO:0010159, OMIM 276300. Disease mechanism: loss of function.
Lynch syndrome 4 (LYNCH4). Also called: Colorectal cancer, hereditary nonpolyposis, type 4; Hereditary non-polyposis colorectal cancer, type 4. Identifiers: Orphanet 144, MedGen C1838333, MONDO:0013699, OMIM 614337. Disease mechanism: loss of function.
Lynch syndrome. Identifiers: Orphanet 144, MedGen C4552100, MONDO:0005835. Disease mechanism: loss of function.

Allele frequency attached by ClinVar (database versions not stated): gnomAD 0.00002 and 0.00003; TOPMed 0.00003.
gnomAD v4.1: 3 of 1,614,038 alleles (0.00019%); highest among the groups gnomAD compares: African/African-American, 0.004%; no homozygotes.

Submissions (10):

Ambry Genetics
Classification: Likely benign for Hereditary cancer-predisposing syndrome. Last evaluated: 2025-09-17. Review status: criteria provided, single submitter. Criteria: Ambry Variant Classification Scheme 2023. Collection method: clinical testing. Allele origin: germline.

Quest Diagnostics Nichols Institute San Juan Capistrano
Classification: Uncertain significance. Last evaluated: 2025-09-17. Review status: criteria provided, single submitter. Criteria: Quest Diagnostics criteria. Collection method: clinical testing. Allele origin: unknown.
Comment: The PMS2 c.675A>C (p.Glu225Asp) variant has been reported in the published literature in an individual with colorectal cancer (PMID: 39656055 (2024)). The frequency of this variant in the general population (Genome Aggregation Database) is uninformative in the assessment of its pathogenicity. Analysis of this variant using bioinformatics tools for the prediction of the effect of amino acid changes on protein structure and function yielded predictions that this variant is benign. Based on the available information, we are unable to determine the clinical significance of this variant.

Labcorp Genetics (formerly Invitae), Labcorp
Classification: Uncertain significance for Hereditary nonpolyposis colorectal neoplasms. Last evaluated: 2025-09-04. Review status: criteria provided, single submitter. Criteria: Invitae Variant Classification Sherloc (09022015). Collection method: clinical testing. Allele origin: germline.
Comment: This sequence change replaces glutamic acid, which is acidic and polar, with aspartic acid, which is acidic and polar, at codon 225 of the PMS2 protein (p.Glu225Asp). This variant is not present in population databases (gnomAD no frequency). This variant has not been reported in the literature in individuals affected with PMS2-related conditions. ClinVar contains an entry for this variant (Variation ID: 234813). Invitae Evidence Modeling incorporating data from in vitro experimental studies (internal data) indicates that this missense variant is not expected to disrupt PMS2 function with a negative predictive value of 95%. In summary, the available evidence is currently insufficient to determine the role of this variant in disease. Therefore, it has been classified as a Variant of Uncertain Significance.

Color Diagnostics, LLC DBA Color Health
Classification: Uncertain significance for Hereditary cancer-predisposing syndrome. Last evaluated: 2024-03-06. Review status: criteria provided, single submitter. Criteria: ACMG Guidelines, 2015. Collection method: clinical testing. Allele origin: germline.
Comment: This missense variant replaces glutamic acid with aspartic acid at codon 225 of the PMS2 protein. Computational prediction suggests that this variant may not impact protein structure and function (internally defined REVEL score threshold <= 0.5, PMID: 27666373). To our knowledge, functional studies have not been reported for this variant. This variant has not been reported in individuals affected with PMS2-related disorders in the literature. This variant has not been identified in the general population by the Genome Aggregation Database (gnomAD). The available evidence is insufficient to determine the role of this variant in disease conclusively. Therefore, this variant is classified as a Variant of Uncertain Significance.

All of Us Research Program, National Institutes of Health
Classification: Uncertain significance for Lynch syndrome. Last evaluated: 2023-12-13. Review status: criteria provided, single submitter. Criteria: ACMG Guidelines, 2015. Collection method: clinical testing. Allele origin: germline. Inheritance: Autosomal dominant inheritance. Observed: 2 variant alleles, 2 heterozygotes.
Comment: This missense variant replaces glutamic acid with aspartic acid at codon 225 of the PMS2 protein. Computational prediction suggests that this variant may not impact protein structure and function (internally defined REVEL score threshold <= 0.5, PMID: 27666373). To our knowledge, functional studies have not been reported for this variant. This variant has not been reported in individuals affected with PMS2-related disorders in the literature. This variant has not been identified in the general population by the Genome Aggregation Database (gnomAD). The available evidence is insufficient to determine the role of this variant in disease conclusively. Therefore, this variant is classified as a Variant of Uncertain Significance.

This study involves interpretation of variants in research participants for the purpose of population health screening. Participant phenotype was not available at the time of variant classification. Additional details can be found in publication PMID: 35346344, PMCID: PMC8962531

Baylor Genetics
Classification: Uncertain significance for Lynch syndrome 4. Last evaluated: 2023-11-30. Review status: criteria provided, single submitter. Criteria: ACMG Guidelines, 2015. Collection method: clinical testing. Allele origin: unknown.

Women's Health and Genetics/Laboratory Corporation of America, LabCorp
Classification: Uncertain significance. Last evaluated: 2023-04-20. Review status: criteria provided, single submitter. Criteria: LabCorp Variant Classification Summary - May 2015. Collection method: clinical testing. Allele origin: germline.

Sema4
Classification: Uncertain significance for Hereditary cancer-predisposing syndrome. Last evaluated: 2022-01-12. Review status: criteria provided, single submitter. Criteria: Sema4 Curation Guidelines. Collection method: curation. Allele origin: germline.
Comment: The PMS2 c.675A>C (p.E225D) variant has not been reported in the literature to our knowledge. It was not observed in the large and broad cohorts of the Genome Aggregation Database. The variant has been reported in ClinVar (Variation ID 234813). Functional studies have not been performed, and in silico predictions of the variant's effect on protein function are inconclusive. The evidence is insufficient to meet ACMG/AMP criteria for classifying the variant as benign or pathogenic. Thus, the clinical significance of this variant is currently uncertain.

Fulgent Genetics
Classification: Uncertain significance for Mismatch repair cancer syndrome 1; Lynch syndrome 4. Last evaluated: 2018-10-31. Review status: criteria provided, single submitter. Criteria: ACMG Guidelines, 2015. Collection method: clinical testing. Allele origin: unknown.

GeneDx
Classification: Uncertain significance. Last evaluated: 2016-02-03. Review status: criteria provided, single submitter. Criteria: GeneDx Variant Classification (06012015). Collection method: clinical testing. Allele origin: germline. Affected: yes.
Comment: This variant is denoted PMS2 c.675A>C at the cDNA level, p.Glu225Asp (E225D) at the protein level, and results in the change of a Glutamic Acid to an Aspartic Acid (GAA>GAC). This variant has not, to our knowledge, been published in the literature as pathogenic or benign. PMS2 Glu225Asp was not observed in approximately 6,500 individuals of European and African American ancestry in the NHLBI Exome Sequencing Project, suggesting it is not a common benign variant in these populations. Since Glutamic Acid and Aspartic Acid share similar properties, this is considered a conservative amino acid substitution. PMS2 Glu225Asp occurs at a position where amino acids with properties similar to Glutamic Acid are tolerated across species and is located in the ATPase domain (Guarne 2001, Fukui 2011). In silico analyses are inconsistent regarding the effect this variant may have on protein structure and function. Based on currently available evidence, it is unclear whether PMS2 Glu225Asp is a pathogenic or benign variant. We consider it to be a variant of uncertain significance.

Literature cited by the submitters: PubMed 39656055 (cited by Quest Diagnostics Nichols Institute San Juan Capistrano).